The following is an entry in ClinVar:

ClinVar aggregate classification (germline): Likely benign. Review status: criteria provided, multiple submitters, no conflicts (2 of 4 stars). 3 submissions from 3 submitters: Likely benign (2). 1 of the submissions does not count toward it. Last evaluated 2023-06-09.

Conditions:
PDGFRB-related disorder. Also called: PDGFRB-related condition.
Infantile myofibromatosis (IMF). Also called: Congenital generalized fibromatosis. Identifiers: Orphanet 2591, MedGen C0432284, MONDO:0016824.
Skeletal overgrowth-craniofacial dysmorphism-hyperelastic skin-white matter lesions syndrome. Also called: SKELETAL OVERGROWTH WITH FACIAL DYSMORPHISM, HYPERELASTIC SKIN, WHITE MATTER LESIONS, AND NEUROLOGIC DETERIORATION; Kosaki overgrowth syndrome. Identifiers: Orphanet 477831, MedGen C4225270, MONDO:0014704, OMIM 616592.
Acroosteolysis-keloid-like lesions-premature aging syndrome. Also called: Premature aging syndrome, Penttinen type; Prematurely aged appearance, delayed bone maturation, acro-osteolysis, and brachydactyly; Progeroid syndrome, Penttinen type. Identifiers: Orphanet 363665, MedGen C1866182, MONDO:0011150, OMIM 601812.
Basal ganglia calcification, idiopathic, 4 (PFBC4). Also called: Familial Idiopathic Basal Ganglia Calcification 4; PRIMARY FAMILIAL BRAIN CALCIFICATION 4, AUTOSOMAL DOMINANT. Identifiers: Orphanet 1980, MedGen C3554321, MONDO:0014004, OMIM 615007.

Allele frequency attached by ClinVar (database versions not stated): TOPMed 0.00002; gnomAD 0.00002; gnomAD exomes 0.00002.
gnomAD v4.1: 35 of 1,613,586 alleles (0.0022%); highest among the groups gnomAD compares: Admixed American, 0.01%; no homozygotes.

Submissions (3):

Labcorp Genetics (formerly Invitae), Labcorp
Classification: Likely benign for Basal ganglia calcification, idiopathic, 4; Skeletal overgrowth-craniofacial dysmorphism-hyperelastic skin-white matter lesions syndrome; Infantile myofibromatosis; Acroosteolysis-keloid-like lesions-premature aging syndrome. Last evaluated: 2023-06-09. Review status: criteria provided, single submitter. Criteria: Invitae Variant Classification Sherloc (09022015). Collection method: clinical testing. Allele origin: germline.

Blueprint Genetics
Classification: Likely benign. Last evaluated: 2020-03-10. Review status: criteria provided, single submitter. Criteria: ACMG Guidelines, 2015. Collection method: clinical testing. Allele origin: germline.

PreventionGenetics, part of Exact Sciences
Classification: Likely benign for PDGFRB-related condition. Last evaluated: 2023-12-07. Review status: no assertion criteria provided. Collection method: clinical testing. Allele origin: germline. Not counted in ClinVar's aggregate classification.
Comment: This variant is classified as likely benign based on ACMG/AMP sequence variant interpretation guidelines (Richards et al. 2015 PMID: 25741868, with internal and published modifications).

NM_002609.4(PDGFRB):c.3057C>T (p.Asn1019=)

Gene: PDGFRB (platelet derived growth factor receptor beta; minus strand). Cytogenetic location: 5q32.
Variant type: single nucleotide variant.
Coding change: c.3057C>T on transcript NM_002609.4 (MANE Select); coding-DNA position 3057, C replaced by T.
Protein change: p.Asn1019=; no amino-acid change (asparagine 1019 retained).
Molecular consequence: synonymous variant.
Genome position (GRCh38, 1-based): chr5:150,117,698, G>A on the plus strand (C>T on the coding strand, the complement: PDGFRB is on the minus strand). VCF-style: chr5-150117698-G-A. GRCh37 (hg19) VCF-style: chr5-149497261-G-A.
Other names: c.2865C>T, p.Asn955= (NM_001355016.2); c.3057C>T (NM_002609.3); c.2574C>T, p.Asn858= (NM_001355017.2).
Identifiers: ClinVar variation 2923793 (VCV002923793.6), dbSNP rs769027565, ClinGen allele CA129098254.